The following is an entry in ClinVar:

ClinVar aggregate classification (germline): Uncertain significance (1 of 4 stars; one submission).

Submission:

Labcorp Genetics (formerly Invitae), Labcorp
Classification: Uncertain significance. Last evaluated: 2021-11-23. Review status: criteria provided, single submitter. Criteria: Invitae Variant Classification Sherloc (09022015). Collection method: clinical testing. Allele origin: germline.
Comment: This sequence change falls in intron 2 of the MYLK3 gene. It does not directly change the encoded amino acid sequence of the MYLK3 protein. It affects a nucleotide within the consensus splice site. This variant is not present in population databases (gnomAD no frequency). This variant has not been reported in the literature in individuals affected with MYLK3-related conditions. Variants that disrupt the consensus splice site are a relatively common cause of aberrant splicing (PMID: 17576681, 9536098). Algorithms developed to predict the effect of sequence changes on RNA splicing suggest that this variant is not likely to affect RNA splicing. In summary, the available evidence is currently insufficient to determine the role of this variant in disease. Therefore, it has been classified as a Variant of Uncertain Significance.

Literature cited by the submitters: PubMed 17576681; PubMed 9536098.

NM_182493.3(MYLK3):c.568+6T>C

Gene: MYLK3 (myosin light chain kinase 3; minus strand). Cytogenetic location: 16q11.2.
Variant type: single nucleotide variant.
Coding change: c.568+6T>C on transcript NM_182493.3 (MANE Select); 6 bases into the intron after coding-DNA position 568, T replaced by C.
Molecular consequence: intron variant.
Genome position (GRCh38, 1-based): chr16:46,740,051, A>G on the plus strand (T>C on the coding strand, the complement: MYLK3 is on the minus strand). VCF-style: chr16-46740051-A-G. GRCh37 (hg19) VCF-style: chr16-46773963-A-G.
Other names: c.-23+6T>C (NM_001308301.1).
Identifiers: ClinVar variation 1394727 (VCV001394727.6), dbSNP rs2143016132, ClinGen allele CA2573152346.
Genomic context (GRCh38, chr16:46,740,051, plus strand): 5'-TTGGGGCCTTTATTCTGAAGCTGTTGTGTCTGCAATGTTAGATAAAGCAAATGGGGTCCC[A>G]CTCACCTTCCCCAGGCTCCCTGGCATCAGACTGCACCCCACTGGTGCTCAGCACATGCTT-3'